The following is an entry in ClinVar:

NM_001136018.4(EPHX1):c.128G>C (p.Arg43Thr)

Gene: EPHX1 (epoxide hydrolase 1; plus strand). Cytogenetic location: 1q42.12.
Variant type: single nucleotide variant.
Coding change: c.128G>C on transcript NM_001136018.4 (MANE Select); coding-DNA position 128, G replaced by C.
Protein change: p.Arg43Thr; replaces arginine 43 with threonine.
Molecular consequence: missense variant. On other transcripts: non-coding transcript variant (4).
Genome position (GRCh38, 1-based): chr1:225,828,857, G>C. VCF-style: chr1-225828857-G-C. GRCh37 (hg19) VCF-style: chr1-226016558-G-C.
Other names: c.128G>C, p.Arg43Thr (NM_000120.4, NM_001291163.2, NM_001378426.1 and 6 more transcripts); short protein forms R43T.
Identifiers: ClinVar variation 4977204 (VCV004977204.1).

ClinVar aggregate classification (germline): Benign (1 of 4 stars; one submission).

Conditions:
EPHX1-related disorder. Also called: EPHX1-related condition.

gnomAD v4.1: 2,236 of 1,609,102 alleles (0.14%); highest among the groups gnomAD compares: East Asian, 3.3%; 39 homozygotes.

Submission:

PreventionGenetics, part of Exact Sciences
Classification: Benign for EPHX1-related condition. Last evaluated: 2026-01-30. Review status: criteria provided, single submitter. Criteria: ACMG Guidelines, 2015. Collection method: clinical testing. Allele origin: germline.
Comment: This variant is classified as benign based on ACMG/AMP sequence variant interpretation guidelines (Richards et al. 2015 PMID: 25741868, with internal and published modifications).